The following is an entry in ClinVar:

ClinVar aggregate classification (germline): Likely benign (1 of 4 stars; one submission).

Conditions:
TARP syndrome (TARPS). Also called: PIERRE ROBIN SYNDROME WITH CONGENITAL HEART MALFORMATION AND CLUBFOOT; TALIPES EQUINOVARUS, ATRIAL SEPTAL DEFECT, ROBIN SEQUENCE, AND PERSISTENCE OF LEFT SUPERIOR VENA CAVA. Identifiers: Orphanet 2886, MedGen C1839463, MONDO:0010711, OMIM 311900.

Submission:

Centre for Medical Genetics,  Mumbai
Classification: Likely benign for TARP syndrome. Last evaluated: 2026-02-20. Review status: criteria provided, single submitter. Criteria: ACMG Guidelines, 2015. Collection method: provider interpretation. Allele origin: germline. Inheritance: X-linked inheritance. Affected: no. Observed: 1 homozygote.
Comment: The variant satisfies PM2 criteria; Extremely low frequency in gnomAD population databases. The variant satisfies BS2 criteria; Variant was observed in a homozygous state in population databases more than expected for disease. The variant satisfies PP2 criteria; Missense variant in a gene with low rate of benign missense mutations and for which missense mutation is a common mechanism of a disease. However, the variant satisfies BS2 criteria.

Literature cited by the submitters: PubMed 20451169.

NM_005676.5(RBM10):c.470G>A (p.Arg157Gln)

Gene: RBM10 (RNA binding motif protein 10; plus strand). Cytogenetic location: Xp11.3.
Variant type: single nucleotide variant.
Coding change: c.470G>A on transcript NM_005676.5 (MANE Select); coding-DNA position 470, G replaced by A.
Protein change: p.Arg157Gln; replaces arginine 157 with glutamine.
Molecular consequence: missense variant.
Genome position (GRCh38, 1-based): chrX:47,173,165, G>A. VCF-style: chrX-47173165-G-A. GRCh37 (hg19) VCF-style: chrX-47032564-G-A.
Other names: c.239G>A, p.Arg80Gln (NM_001204466.2, NM_152856.3); c.470G>A, p.Arg157Gln (NM_001204467.2); c.665G>A, p.Arg222Gln (NM_001204468.2, NM_001440861.1); c.434G>A, p.Arg145Gln (NM_001440862.1, NM_001440863.1); short protein forms R157Q, R145Q, R222Q, R80Q.
Identifiers: ClinVar variation 4795895 (VCV004795895.1).